The following is an entry in ClinVar:

NM_006282.5(STK4):c.360+5G>C

Gene: STK4 (serine/threonine kinase 4; plus strand). Cytogenetic location: 20q13.12.
Variant type: single nucleotide variant.
Coding change: c.360+5G>C on transcript NM_006282.5 (MANE Select); 5 bases into the intron after coding-DNA position 360, G replaced by C.
Molecular consequence: intron variant.
Genome position (GRCh38, 1-based): chr20:44,981,948, G>C. VCF-style: chr20-44981948-G-C. GRCh37 (hg19) VCF-style: chr20-43610589-G-C.
Other names: c.360+5G>C (NM_001352385.2).
Identifiers: ClinVar variation 4799107 (VCV004799107.1).
Genomic context (GRCh38, chr20:44,981,948, plus strand): 5'-TGGAGTACTGTGGGGCTGGTTCTGTATCTGATATCATTCGATTACGAAATAAAACGGTAG[G>C]TTTACCTTCTAGAACATGCAACTGAGCTAGTTTCTTATGCCATCTTCTTTTCTCTGCCTC-3'

ClinVar aggregate classification (germline): Uncertain significance (1 of 4 stars; one submission).

Conditions:
Combined immunodeficiency due to STK4 deficiency (IMD110). Also called: STK4 DEFICIENCY; MST1 DEFICIENCY; T-cell immunodeficiency, recurrent infections, and autoimmunity with or without cardiac malformations. Identifiers: Orphanet 314689, MedGen C3553943, MONDO:0013934, OMIM 614868.

Submission:

Labcorp Genetics (formerly Invitae), Labcorp
Classification: Uncertain significance for Combined immunodeficiency due to STK4 deficiency. Last evaluated: 2025-10-18. Review status: criteria provided, single submitter. Criteria: Invitae Variant Classification Sherloc (09022015). Collection method: clinical testing. Allele origin: germline.
Comment: This sequence change falls in intron 4 of the STK4 gene. It does not directly change the encoded amino acid sequence of the STK4 protein. It affects a nucleotide within the consensus splice site. This variant is not present in population databases (gnomAD no frequency). This variant has not been reported in the literature in individuals affected with STK4-related conditions. Variants that disrupt the consensus splice site are a relatively common cause of aberrant splicing (PMID: 17576681, 9536098). Algorithms developed to predict the effect of sequence changes on RNA splicing suggest that this variant may disrupt the consensus splice site. In summary, the available evidence is currently insufficient to determine the role of this variant in disease. Therefore, it has been classified as a Variant of Uncertain Significance.

Literature cited by the submitters: PubMed 17576681; PubMed 9536098.